The following is an entry in ClinVar:

NM_001034853.2(RPGR):c.295A>G (p.Thr99Ala)

Gene: RPGR (retinitis pigmentosa GTPase regulator; minus strand). Cytogenetic location: Xp11.4.
Variant type: single nucleotide variant.
Coding change: c.295A>G on transcript NM_001034853.2 (MANE Select); coding-DNA position 295, A replaced by G.
Protein change: p.Thr99Ala; replaces threonine 99 with alanine.
Molecular consequence: missense variant. On other transcripts: non-coding transcript variant (6).
Genome position (GRCh38, 1-based): chrX:38,321,042, T>C on the plus strand (A>G on the coding strand, the complement: RPGR is on the minus strand). VCF-style: chrX-38321042-T-C. GRCh37 (hg19) VCF-style: chrX-38180295-T-C.
Other names: NM_001034853.2:c.295A>G; c.295A>G, p.Thr99Ala (NM_000328.3, NM_001367245.1, NM_001367246.1 and 4 more transcripts); c.325A>G, p.Thr109Ala (NM_001367248.1); short protein forms T109A, T99A.
Identifiers: ClinVar variation 5043503 (VCV005043503.1).

ClinVar aggregate classification (germline): Uncertain significance (3 of 4 stars; one submission).

Conditions:
RPGR-related retinopathy. Also called: RPGR retinopathy. Identifiers: MedGen CN305589, MONDO:0100437.

Submission:

ClinGen X-linked Inherited Retinal Disease Variant Curation Expert Panel, ClinGen
Classification: Uncertain significance for RPGR-related retinopathy. Last evaluated: 2026-11-20. Review status: reviewed by expert panel. Criteria: ClinGen X LinkedIRD ACMG Specifications RPGR V1.0.0. Collection method: curation. Allele origin: germline. Inheritance: X-linked inheritance.
Comment: NM_001034853.2(RPGR):c.295A>G (p.Thr99Ala) is a missense variant encoding the substitution of threonine with alanine at position 99. This variant is absent from hemizygous individuals in gnomAD v4.1.1 (PM2_Supporting). The computational predictor REVEL gives a score of 0.829, which is between the ClinGen X-linked IRD VCEP threshold of 0.773 to 0.931, and predicts a damaging effect on RPGR function (PP3_Moderate). The computational splicing predictor SpliceAI gives a delta score of 0.02 for acceptor gain, which is below the ClinGen X-linked IRD VCEP threshold of >0.2 and does not predict that the variant disrupts RPGR splicing. Another missense variant in the same codon, NM_001034853.2(RPGR):c.296C>A (p.Thr99Asn) (PMIDs: 10482958, 32702353), has been classified as likely pathogenic for RPGR-related retinopathy by the ClinGen X-linked IRD VCEP, while neither variant has a predicted effect on splicing and no benign missense variants have been identified in this codon. However, the present variant has a lower Grantham’s distance (58) than the comparison variant (65), so PM5_Supporting is not met. This variant has been reported in at least 1 proband (PMID: 27624628, 38219857, Evgenia V. Anikina, thesis, Department of Genetics, UCL Institute of Ophthalmology, University College London). However, the number of individuals meeting the PS4 requirement of some functional vision impairment in affected males by age 30, and/or decreased or absent cone and/or rod electroretinogram responses was fewer than the requirement of at least 2 unrelated probands, so PS4_Supporting was not met. In summary, this variant is classified as a variant of uncertain significance for RPGR-related retinopathy based on the ClinGen X-linked Inherited Retinal Disease Expert Panel Specifications to the ACMG/AMP Variant Interpretation Guidelines for RPGR, Version 1.0.0, using the following evidence codes: PM2_Supporting and PP3_Moderate.